The following is an entry in ClinVar:

ClinVar aggregate classification (germline): Uncertain significance (1 of 4 stars; one submission).

Submission:

GeneDx
Classification: Uncertain significance. Last evaluated: 2023-03-16. Review status: criteria provided, single submitter. Criteria: GeneDx Variant Classification Process June 2021. Collection method: clinical testing. Allele origin: germline. Affected: yes.
Comment: Has not been previously published as pathogenic or benign to our knowledge

NM_001010874.5(TECRL):c.313G>C (p.Gly105Arg)

Gene: TECRL (trans-2,3-enoyl-CoA reductase like; minus strand). Cytogenetic location: 4q13.1.
Variant type: single nucleotide variant.
Coding change: c.313G>C on transcript NM_001010874.5 (MANE Select); coding-DNA position 313, G replaced by C.
Protein change: p.Gly105Arg; replaces glycine 105 with arginine.
Molecular consequence: missense variant.
Genome position (GRCh38, 1-based): chr4:64,328,530, C>G on the plus strand (G>C on the coding strand, the complement: TECRL is on the minus strand). VCF-style: chr4-64328530-C-G. GRCh37 (hg19) VCF-style: chr4-65194248-C-G.
Other names: c.313G>C, p.Gly105Arg (NM_001363796.1); short protein forms G105R.
Identifiers: ClinVar variation 2579804 (VCV002579804.1), dbSNP rs2476169941, ClinGen allele CA357145838.